The following is an entry in ClinVar:

NM_017636.4(TRPM4):c.1787T>C (p.Leu596Pro)

Gene: TRPM4 (transient receptor potential cation channel subfamily M member 4; plus strand). Cytogenetic location: 19q13.33.
Variant type: single nucleotide variant.
Coding change: c.1787T>C on transcript NM_017636.4 (MANE Select); coding-DNA position 1787, T replaced by C.
Protein change: p.Leu596Pro; replaces leucine 596 with proline.
Molecular consequence: missense variant.
Genome position (GRCh38, 1-based): chr19:49,188,684, T>C. VCF-style: chr19-49188684-T-C. GRCh37 (hg19) VCF-style: chr19-49691941-T-C.
Other names: c.1787T>C, p.Leu596Pro (NM_001195227.2); c.1442T>C, p.Leu481Pro (NM_001321281.2); c.179T>C, p.Leu60Pro (NM_001321282.2); c.1265T>C, p.Leu422Pro (NM_001321283.2); c.725T>C, p.Leu242Pro (NM_001321285.2); short protein forms L422P, L242P, L481P, L60P, L596P.
Identifiers: ClinVar variation 691672 (VCV000691672.9), dbSNP rs946021556, ClinGen allele CA309446705.

ClinVar aggregate classification (germline): Uncertain significance. Review status: criteria provided, multiple submitters, no conflicts (2 of 4 stars). 3 submissions from 3 submitters: Uncertain significance (3). Last evaluated 2025-09-03.

Conditions:
Hypertrophic cardiomyopathy. Also called: HYPERTROPHIC MYOCARDIOPATHY. Identifiers: Orphanet 217569, MedGen C0007194, MeSH D002312, MONDO:0005045, HP:0001639.
Progressive familial heart block type IB (PFHB1B). Identifiers: Orphanet 871, MedGen C1970298, MONDO:0011474, OMIM 604559.

Allele frequency attached by ClinVar (database versions not stated): gnomAD exomes below 0.00001; gnomAD 0.00002; TOPMed 0.00002.
gnomAD v4.1: 4 of 1,613,986 alleles (0.00025%); highest among the groups gnomAD compares: African/African-American, 0.004%; no homozygotes.

Submissions (3):

Labcorp Genetics (formerly Invitae), Labcorp
Classification: Uncertain significance for Progressive familial heart block type IB. Last evaluated: 2025-09-03. Review status: criteria provided, single submitter. Criteria: Invitae Variant Classification Sherloc (09022015). Collection method: clinical testing. Allele origin: germline.
Comment: This sequence change replaces leucine, which is neutral and non-polar, with proline, which is neutral and non-polar, at codon 596 of the TRPM4 protein (p.Leu596Pro). This variant is not present in population databases (gnomAD no frequency). This variant has not been reported in the literature in individuals affected with TRPM4-related conditions. ClinVar contains an entry for this variant (Variation ID: 691672). An algorithm developed to predict the effect of missense changes on protein structure and function (PolyPhen-2) suggests that this variant is likely to be disruptive. In summary, the available evidence is currently insufficient to determine the role of this variant in disease. Therefore, it has been classified as a Variant of Uncertain Significance.

AiLife Diagnostics
Classification: Uncertain significance. Last evaluated: 2021-12-30. Review status: criteria provided, single submitter. Criteria: ACMG Guidelines, 2015. Collection method: clinical testing. Allele origin: germline. Affected: yes. Observed: 1 variant allele.

Center for Advanced Laboratory Medicine, UC San Diego Health, University of California San Diego
Classification: Uncertain significance for Hypertrophic cardiomyopathy. Last evaluated: 2017-07-06. Review status: criteria provided, single submitter. Criteria: ACMG Guidelines, 2015. Collection method: clinical testing. Allele origin: germline. Affected: yes. Observed: 1 variant allele.